The following is an entry in ClinVar:

ClinVar aggregate classification (germline): Uncertain significance (1 of 4 stars; one submission).

gnomAD v4.1: 6 of 1,614,000 alleles (0.00037%); highest among the groups gnomAD compares: Admixed American, 0.0017%; no homozygotes.

Submission:

Dasa
Classification: Uncertain significance. Last evaluated: 2026-01-28. Review status: criteria provided, single submitter. Criteria: DASA Assertion Criteria. Collection method: clinical testing. Allele origin: germline.
Comment: NM_018489.3(ASH1L):c.205G>T (p.Ala69Ser) is a missense variant that results in the substitution of alanine with serine. This variant is rare in population databases. The currently available literature and clinical evidence are not sufficient to establish a definitive association between this variant and the reported condition. Therefore, this variant is classified as a variant of uncertain significance.

NM_018489.3(ASH1L):c.205G>T (p.Ala69Ser)

Gene: ASH1L (ASH1 like histone lysine methyltransferase; minus strand). Cytogenetic location: 1q22.
Variant type: single nucleotide variant.
Coding change: c.205G>T on transcript NM_018489.3 (MANE Select); coding-DNA position 205, G replaced by T.
Protein change: p.Ala69Ser; replaces alanine 69 with serine.
Molecular consequence: missense variant.
Genome position (GRCh38, 1-based): chr1:155,521,315, C>A on the plus strand (G>T on the coding strand, the complement: ASH1L is on the minus strand). VCF-style: chr1-155521315-C-A. GRCh37 (hg19) VCF-style: chr1-155491106-C-A.
Other names: c.205G>T, p.Ala69Ser (NM_001366177.2); short protein forms A69S.
Identifiers: ClinVar variation 4885175 (VCV004885175.2).